The following is an entry in ClinVar:

ClinVar aggregate classification (germline): Conflicting classifications of pathogenicity. Review status: criteria provided, conflicting classifications (1 of 4 stars). 2 submissions from 2 submitters: Uncertain significance (1); Benign (1). Last evaluated 2023-11-14.

Conditions:
Primary ciliary dyskinesia. Also called: Ciliary dyskinesia. Identifiers: Orphanet 244, MedGen C0008780, MONDO:0016575, HP:0012265.

Allele frequency attached by ClinVar (database versions not stated): gnomAD exomes 0.00003 and 0.00009; ExAC 0.00024; gnomAD 0.00030 and 0.00031; TOPMed 0.00031; ESP Exome Variant Server 0.00032; 1000 Genomes Project 30x 0.00047; 1000 Genomes Project 0.00060.
gnomAD v4.1: 89 of 1,573,424 alleles (0.0057%); highest among the groups gnomAD compares: African/African-American, 0.08%; no homozygotes.

Submissions (2):

Ambry Genetics
Classification: Benign for Primary ciliary dyskinesia. Last evaluated: 2023-11-14. Review status: criteria provided, single submitter. Criteria: Ambry Variant Classification Scheme 2023. Collection method: clinical testing. Allele origin: germline.

Labcorp Genetics (formerly Invitae), Labcorp
Classification: Uncertain significance for Primary ciliary dyskinesia. Last evaluated: 2022-08-23. Review status: criteria provided, single submitter. Criteria: Invitae Variant Classification Sherloc (09022015). Collection method: clinical testing. Allele origin: germline.
Comment: This sequence change replaces alanine, which is neutral and non-polar, with threonine, which is neutral and polar, at codon 380 of the CCDC40 protein (p.Ala380Thr). This variant is present in population databases (rs199564182, gnomAD 0.1%). This variant has not been reported in the literature in individuals affected with CCDC40-related conditions. ClinVar contains an entry for this variant (Variation ID: 241231). Algorithms developed to predict the effect of missense changes on protein structure and function (SIFT, PolyPhen-2, Align-GVGD) all suggest that this variant is likely to be tolerated. In summary, the available evidence is currently insufficient to determine the role of this variant in disease. Therefore, it has been classified as a Variant of Uncertain Significance.

NM_017950.4(CCDC40):c.1138G>A (p.Ala380Thr)

Gene: CCDC40 (coiled-coil domain 40 molecular ruler complex subunit; plus strand). Cytogenetic location: 17q25.3.
Variant type: single nucleotide variant.
Coding change: c.1138G>A on transcript NM_017950.4 (MANE Select); coding-DNA position 1138, G replaced by A.
Protein change: p.Ala380Thr; replaces alanine 380 with threonine.
Molecular consequence: missense variant.
Genome position (GRCh38, 1-based): chr17:80,050,262, G>A. VCF-style: chr17-80050262-G-A. GRCh37 (hg19) VCF-style: chr17-78024061-G-A.
Other names: c.1138G>A, p.Ala380Thr (NM_001243342.2, NM_001330508.2); short protein forms A380T.
Identifiers: ClinVar variation 241231 (VCV000241231.7), dbSNP rs199564182, ClinGen allele CA8813695.
Genomic context (GRCh38, chr17:80,050,262, plus strand): 5'-AGGCAGAAGGAGGAGGAGCTGCAGGCCGCCCGCGCTCTCTACACCAAGACCTGCGCAGCC[G>A]CCAACGAGGAGCGCAAAAAGTGTAAGGCAACCCGGCAGCCCCACACGCCATCCGGTCCTG-3'
Protein context (NP_060420.2, residues 370-390): RALYTKTCAA[Ala380Thr]NEERKKLAAL